The following is an entry in ClinVar:

ClinVar aggregate classification (germline): Uncertain significance. Review status: criteria provided, multiple submitters, no conflicts (2 of 4 stars). 2 submissions from 2 submitters: Uncertain significance (2). Last evaluated 2023-06-21.

Conditions:
CEP290-related disorder. Also called: CEP290-related condition; CEP290-related disorders. Identifiers: MedGen CN239314.
Joubert syndrome. Also called: CEREBELLOPARENCHYMAL DISORDER IV; JOUBERT-BOLTSHAUSER SYNDROME; Familial aplasia of the vermis. Identifiers: Orphanet 475, MedGen C5979921, MONDO:0018772.
Nephronophthisis. Also called: Juvenile Nephronophthisis. Identifiers: Orphanet 655, MedGen C0687120, MONDO:0019005, HP:0000090.
Meckel-Gruber syndrome. Also called: DYSENCEPHALIA SPLANCHNOCYSTICA; GRUBER SYNDROME; Dysencephalia splachnocystica. Identifiers: Orphanet 564, MedGen C0265215, MONDO:0018921.

Allele frequency attached by ClinVar (database versions not stated): ExAC 0.00001; gnomAD exomes 0.00001; 1000 Genomes Project 30x 0.00016; 1000 Genomes Project 0.00020.
gnomAD v4.1: 22 of 1,607,776 alleles (0.0014%); highest among the groups gnomAD compares: East Asian, 0.0067%; no homozygotes.

Submissions (2):

PreventionGenetics, part of Exact Sciences
Classification: Uncertain significance for CEP290-related condition. Last evaluated: 2023-06-21. Review status: criteria provided, single submitter. Criteria: ACMG Guidelines, 2015. Collection method: clinical testing. Allele origin: germline.
Comment: The CEP290 c.614G>A variant is predicted to result in the amino acid substitution p.Arg205Gln. To our knowledge, this variant has not been reported in the literature. This variant is reported in 0.0052% of alleles in individuals of East Asian descent in gnomAD. At this time, the clinical significance of this variant is uncertain due to the absence of conclusive functional and genetic evidence.

Labcorp Genetics (formerly Invitae), Labcorp
Classification: Uncertain significance for Joubert syndrome; Meckel-Gruber syndrome; Nephronophthisis. Last evaluated: 2022-08-12. Review status: criteria provided, single submitter. Criteria: Invitae Variant Classification Sherloc (09022015). Collection method: clinical testing. Allele origin: germline.
Comment: This sequence change replaces arginine, which is basic and polar, with glutamine, which is neutral and polar, at codon 205 of the CEP290 protein (p.Arg205Gln). This variant is present in population databases (rs547665147, gnomAD 0.005%). This variant has not been reported in the literature in individuals affected with CEP290-related conditions. Algorithms developed to predict the effect of missense changes on protein structure and function (SIFT, PolyPhen-2, Align-GVGD) all suggest that this variant is likely to be tolerated. In summary, the available evidence is currently insufficient to determine the role of this variant in disease. Therefore, it has been classified as a Variant of Uncertain Significance.

NM_025114.4(CEP290):c.614G>A (p.Arg205Gln)

Gene: CEP290 (centrosomal protein 290; minus strand). Cytogenetic location: 12q21.32.
Variant type: single nucleotide variant.
Coding change: c.614G>A on transcript NM_025114.4 (MANE Select); coding-DNA position 614, G replaced by A.
Protein change: p.Arg205Gln; replaces arginine 205 with glutamine.
Molecular consequence: missense variant.
Genome position (GRCh38, 1-based): chr12:88,130,323, C>T on the plus strand (G>A on the coding strand, the complement: CEP290 is on the minus strand). VCF-style: chr12-88130323-C-T. GRCh37 (hg19) VCF-style: chr12-88524100-C-T.
Other names: c.614G>A (NM_025114.3); short protein forms R205Q.
Identifiers: ClinVar variation 2151337 (VCV002151337.2), dbSNP rs547665147, ClinGen allele CA6712727.